The following is an entry in ClinVar:

NM_000038.6(APC):c.-18-4635C>A

Gene: APC (APC regulator of WNT signaling pathway; plus strand). Cytogenetic location: 5q22.2.
Variant type: single nucleotide variant.
Coding change: c.-18-4635C>A on transcript NM_000038.6 (MANE Select); 4635 bases into the intron before 18 bases upstream of the start codon, C replaced by A.
Molecular consequence: intron variant.
Genome position (GRCh38, 1-based): chr5:112,750,238, C>A. VCF-style: chr5-112750238-C-A. GRCh37 (hg19) VCF-style: chr5-112085935-C-A.
Other names: c.-18-4635C>A (NM_001354895.2, NM_001127510.3, NM_001354896.2 and 2 more transcripts); c.166-16088C>A (NM_001354897.2, NM_001354902.2, NM_001127511.3); c.60+11778C>A (NM_001354898.2, NM_001354904.2); c.-1053-4635C>A (NM_001354906.2); c.-43+12313C>A (NM_001354900.2, NM_001354901.2, NM_001354905.2).
Identifiers: ClinVar variation 82796 (VCV000082796.2), dbSNP rs80288037, ClinGen allele CA006102.

ClinVar aggregate classification (germline): other (0 of 4 stars; one submission).

Conditions:
Familial colorectal cancer. Identifiers: MedGen CN280943, MONDO:0023113. Disease mechanism: loss of function.

Submission:

Systems Biology Platform Zhejiang California International NanoSystems Institute
Classification: other for Familial colorectal cancer. Review status: no assertion criteria provided. Collection method: not provided. Allele origin: unknown.
ClinVar note: Converted during submission from cancer to other.